The following is an entry in ClinVar:

NM_000996.4(RPL35A):c.327G>A (p.Arg109=)

Genes: RPL35A (ribosomal protein L35a; plus strand), DRC9 (dynein regulatory complex subunit 9; minus strand). Cytogenetic location: 3q29.
Variant type: single nucleotide variant.
Coding change: c.327G>A on transcript NM_000996.4 (MANE Select); coding-DNA position 327, G replaced by A.
Protein change: p.Arg109=; no amino-acid change (arginine 109 retained).
Molecular consequence: synonymous variant. On other transcripts: intron variant (3).
Genome position (GRCh38, 1-based): chr3:197,955,767, G>A. VCF-style: chr3-197955767-G-A. GRCh37 (hg19) VCF-style: chr3-197682638-G-A.
Other names: c.327G>A, p.Arg109= (NM_001316311.2); c.-50+3762C>T (NM_001323028.2); c.-60+3762C>T (NM_032263.5); c.-375+3762C>T (NM_001323029.2).
Identifiers: ClinVar variation 1653086 (VCV001653086.11), dbSNP rs754407977, ClinGen allele CA2789248.

ClinVar aggregate classification (germline): Likely benign. Review status: criteria provided, multiple submitters, no conflicts (2 of 4 stars). 3 submissions from 3 submitters: Likely benign (2). 1 of the submissions does not count toward it. Last evaluated 2026-05-28.

Conditions:
RPL35A-related disorder. Also called: RPL35A-related condition.
Diamond-Blackfan anemia. Also called: Blackfan Diamond syndrome; Aregenerative anemia chronic congenital; Red cell aplasia, pure hereditary; Congenital hypoplastic anemia; Aase syndrome. Identifiers: Orphanet 124, MedGen C1260899, MeSH D029503, MONDO:0015253, HP:0004810.
Diamond-Blackfan anemia 5 (DBA5). Also called: RPL35A-Related Diamond-Blackfan Anemia. Identifiers: Orphanet 124, MedGen C2675859, MONDO:0012925, OMIM 612528.

Allele frequency attached by ClinVar (database versions not stated): gnomAD exomes 0.00003; ExAC 0.00004.
gnomAD v4.1: 53 of 1,606,270 alleles (0.0033%); highest among the groups gnomAD compares: Non-Finnish European, 0.0043%; no homozygotes.

Submissions (3):

Ambry Genetics
Classification: Likely benign for Diamond-Blackfan anemia. Last evaluated: 2026-05-28. Review status: criteria provided, single submitter. Criteria: Ambry Variant Classification Scheme 2023. Collection method: clinical testing. Allele origin: germline.

Labcorp Genetics (formerly Invitae), Labcorp
Classification: Likely benign for Diamond-Blackfan anemia 5. Last evaluated: 2026-01-11. Review status: criteria provided, single submitter. Criteria: Invitae Variant Classification Sherloc (09022015). Collection method: clinical testing. Allele origin: germline.

PreventionGenetics, part of Exact Sciences
Classification: Likely benign for RPL35A-related condition. Last evaluated: 2023-10-26. Review status: no assertion criteria provided. Collection method: clinical testing. Allele origin: germline. Not counted in ClinVar's aggregate classification.
Comment: This variant is classified as likely benign based on ACMG/AMP sequence variant interpretation guidelines (Richards et al. 2015 PMID: 25741868, with internal and published modifications).